The following is an entry in ClinVar:

ClinVar aggregate classification (germline): Uncertain significance. Review status: criteria provided, multiple submitters, no conflicts (2 of 4 stars). 3 submissions from 3 submitters: Uncertain significance (3). Last evaluated 2024-03-27.

Conditions:
Inborn genetic diseases. Identifiers: MedGen C0950123, MeSH D030342.
Donnai-Barrow syndrome. Also called: DBS/FOAR SYNDROME; FACIOOCULOACOUSTICORENAL SYNDROME. Identifiers: Orphanet 2143, MedGen C1857277, MONDO:0009104, OMIM 222448.

Allele frequency attached by ClinVar (database versions not stated): TOPMed 0.00002; gnomAD 0.00003.
gnomAD v4.1: 30 of 1,614,122 alleles (0.0019%); highest among the groups gnomAD compares: East Asian, 0.0067%; no homozygotes.

Submissions (3):

Fulgent Genetics
Classification: Uncertain significance for Donnai-Barrow syndrome. Last evaluated: 2024-03-27. Review status: criteria provided, single submitter. Criteria: ACMG Guidelines, 2015. Collection method: clinical testing. Allele origin: germline.

Ambry Genetics
Classification: Uncertain significance for Inborn genetic diseases. Last evaluated: 2023-09-13. Review status: criteria provided, single submitter. Criteria: Ambry Variant Classification Scheme 2023. Collection method: clinical testing. Allele origin: germline.

Labcorp Genetics (formerly Invitae), Labcorp
Classification: Uncertain significance. Last evaluated: 2022-05-10. Review status: criteria provided, single submitter. Criteria: Invitae Variant Classification Sherloc (09022015). Collection method: clinical testing. Allele origin: germline.
Comment: This sequence change replaces arginine, which is basic and polar, with histidine, which is basic and polar, at codon 2276 of the LRP2 protein (p.Arg2276His). This variant is present in population databases (rs773816500, gnomAD 0.02%). This variant has not been reported in the literature in individuals affected with LRP2-related conditions. Advanced modeling of protein sequence and biophysical properties (such as structural, functional, and spatial information, amino acid conservation, physicochemical variation, residue mobility, and thermodynamic stability) performed at Invitae indicates that this missense variant is not expected to disrupt LRP2 protein function. In summary, the available evidence is currently insufficient to determine the role of this variant in disease. Therefore, it has been classified as a Variant of Uncertain Significance.

NM_004525.3(LRP2):c.6827G>A (p.Arg2276His)

Gene: LRP2 (LDL receptor related protein 2; minus strand). Cytogenetic location: 2q31.1.
Variant type: single nucleotide variant.
Coding change: c.6827G>A on transcript NM_004525.3 (MANE Select); coding-DNA position 6827, G replaced by A.
Protein change: p.Arg2276His; replaces arginine 2276 with histidine.
Molecular consequence: missense variant.
Genome position (GRCh38, 1-based): chr2:169,206,893, C>T on the plus strand (G>A on the coding strand, the complement: LRP2 is on the minus strand). VCF-style: chr2-169206893-C-T. GRCh37 (hg19) VCF-style: chr2-170063403-C-T.
Other names: c.6827G>A (NM_004525.2); short protein forms R2276H.
Identifiers: ClinVar variation 1898843 (VCV001898843.5), dbSNP rs773816500, ClinGen allele CA1954211.
Genomic context (GRCh38, chr2:169,206,893, plus strand): 5'-TTCCTATCTACCCATATGATAGAATTTTCAAAAACAGTGATGCCATAAGGAGTTGGGTAA[C>T]GACTGCCATAACGAATCACTTCAGAGTTCTCTCCATTGATACGAATCCTTGCAATTATAT-3'
Protein context (NP_004516.2, residues 2266-2286): ENSEVIRYGS[Arg2276His]YPTPYGITVF